The following is an entry in ClinVar:

ClinVar aggregate classification (germline): Uncertain significance. Review status: criteria provided, multiple submitters, no conflicts (2 of 4 stars). 2 submissions from 2 submitters: Uncertain significance (2). Last evaluated 2024-10-27.

Conditions:
Familial thoracic aortic aneurysm and aortic dissection (TAAD). Also called: Thoracic aortic aneurysms and dissections. Identifiers: Orphanet 91387, MedGen C4707243, MONDO:0019625.

Allele frequency attached by ClinVar (database versions not stated): gnomAD exomes below 0.00001.
gnomAD v4.1: 1 of 1,614,216 alleles (0.000062%); highest among the groups gnomAD compares: African/African-American, 0.0013%; no homozygotes.

Submissions (2):

Ambry Genetics
Classification: Uncertain significance for Familial thoracic aortic aneurysm and aortic dissection. Last evaluated: 2024-10-27. Review status: criteria provided, single submitter. Criteria: Ambry Variant Classification Scheme 2023. Collection method: clinical testing. Allele origin: germline.
Comment: The p.Q1174E variant (also known as c.3520C>G), located in coding exon 26 of the MYH11 gene, results from a C to G substitution at nucleotide position 3520. The glutamine at codon 1174 is replaced by glutamic acid, an amino acid with highly similar properties. This amino acid position is conserved. In addition, the in silico prediction for this alteration is inconclusive. Based on the available evidence, the clinical significance of this variant remains unclear.

All of Us Research Program, National Institutes of Health
Classification: Uncertain significance for Familial thoracic aortic aneurysm and aortic dissection. Last evaluated: 2023-12-13. Review status: criteria provided, single submitter. Criteria: ACMG Guidelines, 2015. Collection method: clinical testing. Allele origin: germline. Inheritance: Autosomal dominant inheritance. Observed: 1 variant allele, 1 heterozygote.
Comment: This missense variant replaces glutamine with glutamic acid at codon 1181 of the MYH11 protein. Computational prediction is inconclusive regarding the impact of this variant on protein structure and function (internally defined REVEL score threshold 0.5 < inconclusive < 0.7, PMID: 27666373). To our knowledge, functional studies have not been reported for this variant. This variant has not been reported in individuals affected with MYH11-related disorders in the literature. This variant has not been identified in the general population by the Genome Aggregation Database (gnomAD). The available evidence is insufficient to determine the role of this variant in disease conclusively. Therefore, this variant is classified as a Variant of Uncertain Significance.

This study involves interpretation of variants in research participants for the purpose of population health screening. Participant phenotype was not available at the time of variant classification. Additional details can be found in publication PMID: 35346344, PMCID: PMC8962531

NM_002474.3(MYH11):c.3520C>G (p.Gln1174Glu)

Gene: MYH11 (myosin heavy chain 11; minus strand). Cytogenetic location: 16p13.11.
Variant type: single nucleotide variant.
Coding change: c.3520C>G on transcript NM_002474.3 (MANE Select); coding-DNA position 3520, C replaced by G.
Protein change: p.Gln1174Glu; replaces glutamine 1174 with glutamic acid.
Molecular consequence: missense variant.
Genome position (GRCh38, 1-based): chr16:15,732,695, G>C on the plus strand (C>G on the coding strand, the complement: MYH11 is on the minus strand). VCF-style: chr16-15732695-G-C. GRCh37 (hg19) VCF-style: chr16-15826552-G-C.
Other names: c.3541C>G, p.Gln1181Glu (NM_001040113.2, NM_001040114.2); c.3520C>G, p.Gln1174Glu (NM_022844.3); c.3520C>G (NM_002474.2); short protein forms Q1174E, Q1181E.
Identifiers: ClinVar variation 3074739 (VCV003074739.2), dbSNP rs2506170749, ClinGen allele CA394861247.